The following is an entry in ClinVar:

ClinVar aggregate classification (germline): Uncertain significance (1 of 4 stars; one submission).

Allele frequency attached by ClinVar (database versions not stated): TOPMed below 0.00001.

Submission:

CeGaT Center for Human Genetics Tuebingen
Classification: Uncertain significance. Last evaluated: 2023-08-01. Review status: criteria provided, single submitter. Criteria: CeGaT Center For Human Genetics Tuebingen Variant Classification Criteria Version 2. Collection method: clinical testing. Allele origin: germline. Affected: yes. Observed: 1 variant allele.
Comment: ACSL4: PM2

NM_001318510.2(ACSL4):c.82G>T (p.Ala28Ser)

Gene: ACSL4 (acyl-CoA synthetase long chain family member 4; minus strand). Cytogenetic location: Xq23.
Variant type: single nucleotide variant.
Coding change: c.82G>T on transcript NM_001318510.2 (MANE Select); coding-DNA position 82, G replaced by T.
Protein change: p.Ala28Ser; replaces alanine 28 with serine.
Molecular consequence: missense variant.
Genome position (GRCh38, 1-based): chrX:109,683,282, C>A on the plus strand (G>T on the coding strand, the complement: ACSL4 is on the minus strand). VCF-style: chrX-109683282-C-A. GRCh37 (hg19) VCF-style: chrX-108926511-C-A.
Other names: c.205G>T, p.Ala69Ser (NM_001318509.2, NM_022977.3); c.82G>T, p.Ala28Ser (NM_004458.3); short protein forms A28S, A69S.
Identifiers: ClinVar variation 2661186 (VCV002661186.24), dbSNP rs1275001783, ClinGen allele CA414219177.
Genomic context (GRCh38, chrX:109,683,282, plus strand): 5'-TGGATACAGCATGGTCAAATAATTTATCCAGAGTATCTGCTCCAGGGATGTCTATTACAG[C>A]TAGTGAGTCGAAGTGTGTGACAGAGCGATATGGACTTCCAGGTTTGTCTGAAGTGGGCTT-3'
Protein context (NP_001305439.1, residues 18-38): YRSVTHFDSL[Ala28Ser]VIDIPGADTL